The following is an entry in ClinVar:

NM_000465.4(BARD1):c.278A>G (p.Gln93Arg)

Gene: BARD1 (BRCA1 associated RING domain 1; minus strand). Cytogenetic location: 2q35.
Variant type: single nucleotide variant.
Coding change: c.278A>G on transcript NM_000465.4 (MANE Select); coding-DNA position 278, A replaced by G.
Protein change: p.Gln93Arg; replaces glutamine 93 with arginine.
Molecular consequence: missense variant. On other transcripts: non-coding transcript variant (1), intron variant (2).
Genome position (GRCh38, 1-based): chr2:214,792,383, T>C on the plus strand (A>G on the coding strand, the complement: BARD1 is on the minus strand). VCF-style: chr2-214792383-T-C. GRCh37 (hg19) VCF-style: chr2-215657107-T-C.
Other names: c.221A>G, p.Gln74Arg (NM_001282543.2); c.278A>G, p.Gln93Arg (NM_001282549.2); c.158+17029A>G (NM_001282548.2); c.215+4678A>G (NM_001282545.2); c.278A>G (NM_000465.3); short protein forms Q93R, Q74R.
Identifiers: ClinVar variation 1796012 (VCV001796012.4), dbSNP rs2106134966, ClinGen allele CA350461094.

ClinVar aggregate classification (germline): Conflicting classifications of pathogenicity. Review status: criteria provided, conflicting classifications (1 of 4 stars). 2 submissions from 2 submitters: Uncertain significance (1); Benign (1). Last evaluated 2023-12-23.

Conditions:
Hereditary cancer-predisposing syndrome. Also called: Tumor predisposition; Hereditary Cancer Syndrome; Neoplastic Syndromes, Hereditary; Hereditary neoplastic syndrome. Identifiers: Orphanet 140162, MedGen C0027672, MeSH D009386, MONDO:0015356.
Ovarian cancer. Also called: OVARIAN CANCER, SOMATIC. Identifiers: Orphanet 213500, MedGen C1140680, MONDO:0008170, OMIM 167000.

Submissions (2):

Ambry Genetics
Classification: Uncertain significance for Hereditary cancer-predisposing syndrome. Last evaluated: 2023-12-23. Review status: criteria provided, single submitter. Criteria: Ambry Variant Classification Scheme 2023. Collection method: clinical testing. Allele origin: germline.
Comment: The p.Q93R variant (also known as c.278A>G), located in coding exon 3 of the BARD1 gene, results from an A to G substitution at nucleotide position 278. The glutamine at codon 93 is replaced by arginine, an amino acid with highly similar properties. This amino acid position is not well conserved in available vertebrate species. In addition, this alteration is predicted to be tolerated by in silico analysis. Since supporting evidence is limited at this time, the clinical significance of this alteration remains unclear.

Laboratory of Molecular Epidemiology of Birth Defects, West China Second University Hospital, Sichuan University
Classification: Benign for Ovarian cancer. Last evaluated: 2022-01-01. Review status: criteria provided, single submitter. Criteria: ACMG Guidelines, 2015. Collection method: clinical testing. Allele origin: germline. Affected: yes.